The following is an entry in ClinVar:

ClinVar aggregate classification (germline): Uncertain significance (1 of 4 stars; one submission).

Conditions:
Cardiovascular phenotype. Identifiers: MedGen CN230736.

Allele frequency attached by ClinVar (database versions not stated): ExAC 0.00001; gnomAD 0.00001; ESP Exome Variant Server 0.00008; gnomAD exomes below 0.00001.
gnomAD v4.1: 4 of 1,607,736 alleles (0.00025%); highest among the groups gnomAD compares: Non-Finnish European, 0.00034%; no homozygotes.

Submission:

Ambry Genetics
Classification: Uncertain significance for Cardiovascular phenotype. Last evaluated: 2022-02-20. Review status: criteria provided, single submitter. Criteria: Ambry Variant Classification Scheme 2023. Collection method: clinical testing. Allele origin: germline.
Comment: The p.D51E variant (also known as c.153T>G), located in coding exon 2 of the FKTN gene, results from a T to G substitution at nucleotide position 153. The aspartic acid at codon 51 is replaced by glutamic acid, an amino acid with highly similar properties. This amino acid position is conserved. In addition, this alteration is predicted to be tolerated by in silico analysis. Since supporting evidence is limited at this time, the clinical significance of this alteration remains unclear.

NM_001079802.2(FKTN):c.153T>G (p.Asp51Glu)

Gene: FKTN (fukutin; plus strand). Cytogenetic location: 9q31.2.
Variant type: single nucleotide variant.
Coding change: c.153T>G on transcript NM_001079802.2 (MANE Select); coding-DNA position 153, T replaced by G.
Protein change: p.Asp51Glu; replaces aspartic acid 51 with glutamic acid.
Molecular consequence: missense variant. On other transcripts: 5 prime UTR variant (5), non-coding transcript variant (2).
Genome position (GRCh38, 1-based): chr9:105,596,645, T>G. VCF-style: chr9-105596645-T-G. GRCh37 (hg19) VCF-style: chr9-108358926-T-G.
Other names: c.153T>G, p.Asp51Glu (NM_001198963.2, NM_001351496.2, NM_001351498.2 and 1 more transcripts); c.-15T>G (NM_001351497.2); c.-362T>G (NM_001351499.2, NM_001351500.2, NM_001351501.2 and 1 more transcripts); short protein forms D51E.
Identifiers: ClinVar variation 1774830 (VCV001774830.2), dbSNP rs376468584, ClinGen allele CA5170319.